The following is an entry in ClinVar:

ClinVar aggregate classification (germline): Conflicting classifications of pathogenicity. Review status: criteria provided, conflicting classifications (1 of 4 stars). 3 submissions from 3 submitters: Uncertain significance (1); Likely benign (2). Last evaluated 2025-11-09.

Conditions:
Multiple endocrine neoplasia type 4. Also called: MULTIPLE ENDOCRINE NEOPLASIA, TYPE IV. Identifiers: Orphanet 276152, MedGen C1970712, MONDO:0012552, OMIM 610755.
Hereditary cancer-predisposing syndrome. Also called: Neoplastic Syndromes, Hereditary; Hereditary neoplastic syndrome; Tumor predisposition; Hereditary Cancer Syndrome. Identifiers: Orphanet 140162, MedGen C0027672, MeSH D009386, MONDO:0015356.

Allele frequency attached by ClinVar (database versions not stated): gnomAD 0.00001; TOPMed 0.00001.
gnomAD v4.1: 7 of 1,614,076 alleles (0.00043%); highest among the groups gnomAD compares: Middle Eastern, 0.016%; no homozygotes.

Submissions (3):

Labcorp Genetics (formerly Invitae), Labcorp
Classification: Likely benign for Multiple endocrine neoplasia type 4. Last evaluated: 2025-11-09. Review status: criteria provided, single submitter. Criteria: Invitae Variant Classification Sherloc (09022015). Collection method: clinical testing. Allele origin: germline.

GeneDx
Classification: Uncertain significance. Last evaluated: 2022-05-03. Review status: criteria provided, single submitter. Criteria: GeneDx Variant Classification Process June 2021. Collection method: clinical testing. Allele origin: germline. Affected: yes.
Comment: Not observed at significant frequency in large population cohorts (gnomAD); In silico analysis supports that this variant does not alter splicing; Has not been previously published as pathogenic or benign to our knowledge

Ambry Genetics
Classification: Likely benign for Hereditary cancer-predisposing syndrome. Last evaluated: 2019-01-17. Review status: criteria provided, single submitter. Criteria: Ambry Variant Classification Scheme 2023. Collection method: clinical testing. Allele origin: germline.

NM_004064.5(CDKN1B):c.285C>A (p.Pro95=)

Gene: CDKN1B (cyclin dependent kinase inhibitor 1B; plus strand). Cytogenetic location: 12p13.1.
Variant type: single nucleotide variant.
Coding change: c.285C>A on transcript NM_004064.5 (MANE Select); coding-DNA position 285, C replaced by A.
Protein change: p.Pro95=; no amino-acid change (proline 95 retained).
Molecular consequence: synonymous variant.
Genome position (GRCh38, 1-based): chr12:12,718,124, C>A. VCF-style: chr12-12718124-C-A. GRCh37 (hg19) VCF-style: chr12-12871058-C-A.
Identifiers: ClinVar variation 772057 (VCV000772057.16), dbSNP rs780148172, ClinGen allele CA478845522.
Genomic context (GRCh38, chr12:12,718,124, plus strand): 5'-GTGGCAAGAGGTGGAGAAGGGCAGCTTGCCCGAGTTCTACTACAGACCCCCGCGGCCCCC[C>A]AAAGGTGCCTGCAAGGTGCCGGCGCAGGAGAGCCAGGATGTCAGCGGGAGCCGCCCGGCG-3'
Protein context (NP_004055.1, residues 85-105): PEFYYRPPRP[Pro95=]KGACKVPAQE